The following is an entry in ClinVar:

NM_001042492.3(NF1):c.1797G>A (p.Trp599Ter)

Gene: NF1 (neurofibromin 1; plus strand). Cytogenetic location: 17q11.2.
Variant type: single nucleotide variant.
Coding change: c.1797G>A on transcript NM_001042492.3 (MANE Select); coding-DNA position 1797, G replaced by A.
Protein change: p.Trp599Ter; replaces tryptophan 599 with a stop codon.
Molecular consequence: nonsense.
Genome position (GRCh38, 1-based): chr17:31,223,519, G>A. VCF-style: chr17-31223519-G-A. GRCh37 (hg19) VCF-style: chr17-29550537-G-A.
Other names: c.1797G>A, p.Trp599Ter (NM_000267.4); short protein forms W599*.
Identifiers: ClinVar variation 580246 (VCV000580246.47), dbSNP rs1567845906, ClinGen allele CA399004398.

ClinVar aggregate classification (germline): Pathogenic. Review status: criteria provided, multiple submitters, no conflicts (2 of 4 stars). 6 submissions from 6 submitters: Pathogenic (6). Last evaluated 2025-11-21.

Conditions:
NF1-related disorder. Also called: NF1-related condition. Identifiers: MedGen CN379171.
Neurofibromatosis, type 1 (NF1). Also called: Neurofibromatosis, type I; VON RECKLINGHAUSEN DISEASE; NEUROFIBROMATOSIS, TYPE I, SOMATIC; Peripheral type neurofibromatosis. Identifiers: Orphanet 636, MedGen C0027831, MONDO:0018975, OMIM 162200. Disease mechanism: loss of function.
Hereditary cancer-predisposing syndrome. Also called: Tumor predisposition; Hereditary Cancer Syndrome; Hereditary neoplastic syndrome; Neoplastic Syndromes, Hereditary. Identifiers: Orphanet 140162, MedGen C0027672, MeSH D009386, MONDO:0015356.
Cardiovascular phenotype. Identifiers: MedGen CN230736.

Submissions (6):

Ambry Genetics
Classification: Pathogenic for Cardiovascular phenotype; Hereditary cancer-predisposing syndrome. Last evaluated: 2025-11-21. Review status: criteria provided, single submitter. Criteria: Ambry Variant Classification Scheme 2023. Collection method: clinical testing. Allele origin: germline.
Comment: The p.W599* variant (also known as c.1797G>A), located in coding exon 16 of the NF1 gene, results from a G to A substitution at nucleotide position 1797. This changes the amino acid from a tryptophan to a stop codon within coding exon 16. This variant was reported in individuals with features consistent with Neurofibromatosis type 1 (Wimmer K et al. Hum Mutat, 2007 Jun;28:599-612; Nemethova M et al. Ann Hum Genet, 2013 Sep;77:364-79; Uusitalo E et al. Acta Derm Venereol, 2014 Nov;94:663-6; Kang E et al. J Hum Genet, 2020 Jan;65:79-89; Ars E et al. Hum Mol Genet, 2000 Jan;9:237-47; Ambry internal data). This variant is considered to be rare based on population cohorts in the Genome Aggregation Database (gnomAD). This alteration is expected to result in loss of function by premature protein truncation or nonsense-mediated mRNA decay. As such, this alteration is interpreted as a disease-causing mutation.

Labcorp Genetics (formerly Invitae), Labcorp
Classification: Pathogenic for Neurofibromatosis, type 1. Last evaluated: 2025-11-10. Review status: criteria provided, single submitter. Criteria: Invitae Variant Classification Sherloc (09022015). Collection method: clinical testing. Allele origin: germline.
Comment: This sequence change creates a premature translational stop signal (p.Trp599*) in the NF1 gene. It is expected to result in an absent or disrupted protein product. Loss-of-function variants in NF1 are known to be pathogenic (PMID: 10712197, 23913538). This variant is not present in population databases (gnomAD no frequency). This premature translational stop signal has been observed in individuals with neurofibromatosis type 1 (PMID: 10607834). Invitae Evidence Modeling of clinical and family history, age, sex, and reported ancestry of multiple individuals with this NF1 variant has been performed. This variant is expected to be pathogenic with a positive predictive value of at least 99%. This is a validated machine learning model that incorporates the clinical features of 1,785,918 individuals referred to our laboratory for NF1 testing. ClinVar contains an entry for this variant (Variation ID: 580246). RNA analysis performed to evaluate the impact of this premature translational stop signal on mRNA splicing indicates it does not significantly alter splicing (internal data). For these reasons, this variant has been classified as Pathogenic.

Quest Diagnostics Nichols Institute San Juan Capistrano
Classification: Pathogenic. Last evaluated: 2025-06-03. Review status: criteria provided, single submitter. Criteria: Quest Diagnostics criteria. Collection method: clinical testing. Allele origin: unknown.
Comment: The NF1 c.1797G>A (p.Trp599*) variant causes the premature termination of NF1 protein synthesis. This variant has been reported in the published literature in individuals with neurofibromatosis 1 (NF1) (PMID: 24676424 (2014), 23758643 (2013), 10607834 (2000)). This variant has not been reported in large, multi-ethnic general populations (Genome Aggregation Database). Based on the available information, this variant is classified as pathogenic.

Genome-Nilou Lab
Classification: Pathogenic for Neurofibromatosis, type 1. Last evaluated: 2022-03-15. Review status: criteria provided, single submitter. Criteria: ACMG Guidelines, 2015. Collection method: clinical testing. Allele origin: germline. Affected: no.

CeGaT Center for Human Genetics Tuebingen
Classification: Pathogenic. Last evaluated: 2020-04-01. Review status: criteria provided, single submitter. Criteria: CeGaT Center For Human Genetics Tuebingen Variant Classification Criteria Version 2. Collection method: clinical testing. Allele origin: germline. Affected: yes. Observed: 1 variant allele.

Blueprint Genetics
Classification: Pathogenic for NF1-related disorders. Last evaluated: 2019-10-30. Review status: criteria provided, single submitter. Criteria: ACMG Guidelines, 2015. Collection method: clinical testing. Allele origin: germline. Affected: yes. Observed: 1 variant allele.

Literature cited by the submitters: PubMed 10607834 (cited by Ambry Genetics and Labcorp Genetics (formerly Invitae), Labcorp); PubMed 17311297 (cited by Ambry Genetics); PubMed 23758643 (cited by Ambry Genetics); PubMed 24676424 (cited by Ambry Genetics); PubMed 31776437 (cited by Ambry Genetics); PubMed 10712197 (cited by Labcorp Genetics (formerly Invitae), Labcorp); PubMed 23913538 (cited by Labcorp Genetics (formerly Invitae), Labcorp).